The following is an entry in ClinVar:

NM_002206.3(ITGA7):c.1244A>G (p.His415Arg)

Gene: ITGA7 (integrin subunit alpha 7; minus strand). Cytogenetic location: 12q13.2.
Variant type: single nucleotide variant.
Coding change: c.1244A>G on transcript NM_002206.3 (MANE Select); coding-DNA position 1244, A replaced by G.
Protein change: p.His415Arg; replaces histidine 415 with arginine.
Molecular consequence: missense variant. On other transcripts: 5 prime UTR variant (1).
Genome position (GRCh38, 1-based): chr12:55,697,975, T>C on the plus strand (A>G on the coding strand, the complement: ITGA7 is on the minus strand). VCF-style: chr12-55697975-T-C. GRCh37 (hg19) VCF-style: chr12-56091759-T-C.
Other names: c.1256A>G, p.His419Arg (NM_001144996.2, NM_001414029.1); c.965A>G, p.His322Arg (NM_001144997.2); c.917A>G, p.His306Arg (NM_001367993.1); c.-49A>G (NM_001367994.1); c.1244A>G, p.His415Arg (NM_001374465.1, NM_001414034.1); c.1376A>G, p.His459Arg (NM_001410977.1); c.1169A>G, p.His390Arg (NM_001414030.1); c.1157A>G, p.His386Arg (NM_001414031.1); and 3 more; short protein forms H306R, H322R, H415R, H419R, H459R, H302R, H375R, H386R.
Identifiers: ClinVar variation 1307755 (VCV001307755.9), dbSNP rs1355871507, ClinGen allele CA385189868.

ClinVar aggregate classification (germline): Uncertain significance. Review status: criteria provided, multiple submitters, no conflicts (2 of 4 stars). 2 submissions from 2 submitters: Uncertain significance (2). Last evaluated 2021-03-17.

Conditions:
Congenital muscular dystrophy due to integrin alpha-7 deficiency. Also called: MYOPATHY, CONGENITAL, DUE TO INTEGRIN ALPHA-7 DEFICIENCY; Congenital muscular dystrophy with integrin alpha-7 deficiency; Muscular dystrophy, congenital, due to ITGA7 deficiency. Identifiers: Orphanet 34520, MedGen C2750786, MONDO:0013177, OMIM 613204.

Allele frequency attached by ClinVar (database versions not stated): gnomAD exomes below 0.00001 and 0.00001; TOPMed below 0.00001; gnomAD 0.00001.
gnomAD v4.1: 18 of 1,613,988 alleles (0.0011%); highest among the groups gnomAD compares: Non-Finnish European, 0.0015%; no homozygotes.

Submissions (2):

Labcorp Genetics (formerly Invitae), Labcorp
Classification: Uncertain significance for Congenital muscular dystrophy due to integrin alpha-7 deficiency. Last evaluated: 2021-03-17. Review status: criteria provided, single submitter. Criteria: Invitae Variant Classification Sherloc (09022015). Collection method: clinical testing. Allele origin: germline.
Comment: In summary, the available evidence is currently insufficient to determine the role of this variant in disease. Therefore, it has been classified as a Variant of Uncertain Significance. Algorithms developed to predict the effect of missense changes on protein structure and function are either unavailable or do not agree on the potential impact of this missense change (SIFT: "Tolerated"; PolyPhen-2: "Possibly Damaging"; Align-GVGD: "Class C0"). This variant has not been reported in the literature in individuals with ITGA7-related conditions. This variant is not present in population databases (ExAC no frequency). This sequence change replaces histidine with arginine at codon 415 of the ITGA7 protein (p.His415Arg). The histidine residue is moderately conserved and there is a small physicochemical difference between histidine and arginine.

GeneDx
Classification: Uncertain significance. Last evaluated: 2019-08-13. Review status: criteria provided, single submitter. Criteria: GeneDx Variant Classification Process June 2021. Collection method: clinical testing. Allele origin: germline. Affected: yes.
Comment: Has not been previously published as pathogenic or benign to our knowledge; Not observed at a significant frequency in large population cohorts (Lek et al., 2016); In silico analysis, which includes protein predictors and evolutionary conservation, supports a deleterious effect